The following is an entry in ClinVar:

ClinVar aggregate classification (germline): Likely benign. Review status: criteria provided, multiple submitters, no conflicts (2 of 4 stars). 2 submissions from 2 submitters: Likely benign (2). Last evaluated 2018-06-19.

Allele frequency attached by ClinVar (database versions not stated): gnomAD exomes 0.00080 and 0.00165; 1000 Genomes Project 30x 0.00718; ExAC 0.00182; gnomAD 0.00525 and 0.00554; ESP Exome Variant Server 0.00569; TOPMed 0.00617; 1000 Genomes Project 0.00619.
gnomAD v4.1: 2,011 of 1,590,384 alleles (0.13%); highest among the groups gnomAD compares: African/African-American, 1.6%; 10 homozygotes.

Submissions (2):

GeneDx
Classification: Likely benign. Last evaluated: 2018-06-19. Review status: criteria provided, single submitter. Criteria: GeneDx Variant Classification (06012015). Collection method: clinical testing. Allele origin: germline. Affected: yes.
Comment: This variant is considered likely benign or benign based on one or more of the following criteria: it is a conservative change, it occurs at a poorly conserved position in the protein, it is predicted to be benign by multiple in silico algorithms, and/or has population frequency not consistent with disease.

Breakthrough Genomics
Classification: Likely benign. Review status: criteria provided, single submitter. Criteria: ACMG Guidelines, 2015. Collection method: not provided. Allele origin: germline. Inheritance: Autosomal recessive inheritance. Affected: yes.

NM_014141.6(CNTNAP2):c.1777+23T>C

Gene: CNTNAP2 (contactin associated protein 2; plus strand). Cytogenetic location: 7q35.
Variant type: single nucleotide variant.
Coding change: c.1777+23T>C on transcript NM_014141.6 (MANE Select); 23 bases into the intron after coding-DNA position 1777, T replaced by C.
Molecular consequence: intron variant.
Genome position (GRCh38, 1-based): chr7:147,486,064, T>C. VCF-style: chr7-147486064-T-C. GRCh37 (hg19) VCF-style: chr7-147183156-T-C.
Identifiers: ClinVar variation 675802 (VCV000675802.2), dbSNP rs77812427, ClinGen allele CA4546194.